The following is an entry in ClinVar:

ClinVar aggregate classification (germline): Pathogenic/Likely pathogenic. Review status: criteria provided, multiple submitters, no conflicts (2 of 4 stars). 3 submissions from 3 submitters: Pathogenic (1); Likely pathogenic (2). Last evaluated 2025-11-03.

Conditions:
Heimler syndrome 1 (HMLR1). Also called: PEROXISOME BIOGENESIS DISORDER 1C. Identifiers: Orphanet 3220, MedGen C4551980, OMIM 234580, MONDO:0024544.
Zellweger spectrum disorders (ZS). Also called: Zellweger Spectrum Disorder; Zellweger Spectrum; Zellweger Spectrum Disorder (ZSD); Zellweger syndrome. Identifiers: Orphanet 912, MedGen C0043459, MONDO:0019609.

Submissions (3):

Natera, Inc.
Classification: Likely pathogenic for Zellweger syndrome. Last evaluated: 2025-11-03. Review status: criteria provided, single submitter. Criteria: Natera Variant Classification Schema (03/2026). Collection method: clinical testing. Allele origin: germline.
Comment: The c.3094dupC variant in PEX1 is a frameshift variant predicted to shift the reading frame beginning at codon 1032 and leads to a stop codon 9 codons downstream. This variant is expected to result in nonsense mediated decay, truncation, or a dysfunctional protein product. This variant is rare in the general population with a frequency below the threshold expected for the associated phenotype(s). Given the available evidence, this variant is classified as Likely Pathogenic.

Baylor Genetics
Classification: Likely pathogenic for Heimler syndrome 1. Last evaluated: 2023-12-06. Review status: criteria provided, single submitter. Criteria: ACMG Guidelines, 2015. Collection method: clinical testing. Allele origin: unknown.

Labcorp Genetics (formerly Invitae), Labcorp
Classification: Pathogenic for Zellweger spectrum disorders. Last evaluated: 2022-12-09. Review status: criteria provided, single submitter. Criteria: Invitae Variant Classification Sherloc (09022015). Collection method: clinical testing. Allele origin: germline.
Comment: This sequence change creates a premature translational stop signal (p.Leu1032Profs*9) in the PEX1 gene. It is expected to result in an absent or disrupted protein product. Loss-of-function variants in PEX1 are known to be pathogenic (PMID: 9398847, 16086329, 16141001, 21031596, 26387595, 31831025). This variant is not present in population databases (gnomAD no frequency). This variant has not been reported in the literature in individuals affected with PEX1-related conditions. For these reasons, this variant has been classified as Pathogenic.

Literature cited by the submitters: PubMed 9398847 (cited by Labcorp Genetics (formerly Invitae), Labcorp); PubMed 16086329 (cited by Labcorp Genetics (formerly Invitae), Labcorp); PubMed 16141001 (cited by Labcorp Genetics (formerly Invitae), Labcorp); PubMed 21031596 (cited by Labcorp Genetics (formerly Invitae), Labcorp); PubMed 26387595 (cited by Labcorp Genetics (formerly Invitae), Labcorp); PubMed 31831025 (cited by Labcorp Genetics (formerly Invitae), Labcorp).

NM_000466.3(PEX1):c.3094dup (p.Leu1032fs)

Genes: GATAD1 (GATA zinc finger domain containing 1; plus strand), PEX1 (peroxisomal biogenesis factor 1; minus strand). Cytogenetic location: 7q21.2.
Variant type: Duplication.
Coding change: c.3094dup on transcript NM_000466.3 (MANE Select); coding-DNA position 3094, one base duplicated (C; older notation c.3094dupC).
Protein change: p.Leu1032fs; shifts the reading frame from leucine 1032.
Molecular consequence: frameshift variant.
Genome position (GRCh38, 1-based): chr7:92,493,066, G duplicated on the plus strand (C on the coding strand, the reverse complement: PEX1 is on the minus strand); the first of 2 consecutive G bases (chr7:92,493,066-92,493,067); duplicating either gives the same sequence. VCF-style (leftmost placement, unchanged base first): chr7-92493065-A-AG. GRCh37 (hg19) VCF-style: chr7-92122379-A-AG.
Other names: c.3094dupC (NM_000466.2); c.2923dup, p.Leu975fs (NM_001282677.2); c.2470dup, p.Leu824fs (NM_001282678.2); short protein forms L1032fs, L824fs, L975fs.
Identifiers: ClinVar variation 1946654 (VCV001946654.7), dbSNP rs1791435032, ClinGen allele CA1725929921.